The following is an entry in ClinVar:

NM_182760.4(SUMF1):c.1040del (p.Ala347fs)

Gene: SUMF1 (sulfatase modifying factor 1; minus strand). Cytogenetic location: 3p26.1.
Variant type: Deletion.
Coding change: c.1040del on transcript NM_182760.4 (MANE Select); coding-DNA position 1040, one base deleted (C; older notation c.1040delC).
Protein change: p.Ala347fs; shifts the reading frame from alanine 347.
Molecular consequence: frameshift variant.
Genome position (GRCh38, 1-based): chr3:4,362,229, G deleted on the plus strand (C on the coding strand, the reverse complement: SUMF1 is on the minus strand). VCF-style (leftmost placement, unchanged base first): chr3-4362228-AG-A. GRCh37 (hg19) VCF-style: chr3-4403912-AG-A.
Other names: c.965del, p.Ala322fs (NM_001164674.2); c.980del, p.Ala327fs (NM_001164675.2); short protein forms A322fs, A327fs, A347fs.
Identifiers: ClinVar variation 1068400 (VCV001068400.5), dbSNP rs2125176154, ClinGen allele CA2499216786.
Genomic context (GRCh38, chr3:4,362,228, plus strand): 5'-GGCTGCACAGCGGAATCCCAGATTCGAAGCAGAGCTATCAGGTGTGTTCTGGCTCCGAGC[AG>A]CACAGCGATACCTGTAACAATAAGACTGTGTAGAGAGAAAGAGCAAGGTAAGTGCTACTG-3'

ClinVar aggregate classification (germline): Likely pathogenic (1 of 4 stars; one submission).

Conditions:
Multiple sulfatase deficiency (MSD). Also called: Multiple Sulfatase Deficiency Disease; Sulfatidosis, Juvenile, Austin Type; Mucosulfatidosis. Identifiers: Orphanet 585, MedGen C0268263, MONDO:0010088, OMIM 272200.

Submission:

Labcorp Genetics (formerly Invitae), Labcorp
Classification: Likely pathogenic for Multiple sulfatase deficiency. Last evaluated: 2022-04-25. Review status: criteria provided, single submitter. Criteria: Invitae Variant Classification Sherloc (09022015). Collection method: clinical testing. Allele origin: germline.
Comment: This sequence change results in a frameshift in the SUMF1 gene (p.Ala347Valfs*83). While this is not anticipated to result in nonsense mediated decay, it is expected to disrupt the last 28 amino acid(s) of the SUMF1 protein and extend the protein by 54 additional amino acid residues. In summary, the currently available evidence indicates that the variant is pathogenic, but additional data are needed to prove that conclusively. Therefore, this variant has been classified as Likely Pathogenic. This variant disrupts the p.Arg349 amino acid residue in SUMF1. Other variant(s) that disrupt this residue have been determined to be pathogenic (PMID: 12757706, 15146462, 25373814). This suggests that this residue is clinically significant, and that variants that disrupt this residue are likely to be disease-causing. ClinVar contains an entry for this variant (Variation ID: 1068400). This variant has not been reported in the literature in individuals affected with SUMF1-related conditions. This variant is not present in population databases (gnomAD no frequency).

Literature cited by the submitters: PubMed 12757706; PubMed 15146462; PubMed 25373814.